The following is an entry in ClinVar:

ClinVar aggregate classification (germline): Uncertain significance (1 of 4 stars; one submission).

Conditions:
Cornelia de Lange syndrome 1 (CDLS1). Also called: Brachmann de Lange syndrome; TYPUS DEGENERATIVUS AMSTELODAMENSIS; NIPBL-Related Cornelia de Lange Syndrome. Identifiers: Orphanet 199, MedGen C4551851, MONDO:0007387, OMIM 122470.

Submission:

3billion
Classification: Uncertain significance for Cornelia de Lange syndrome 1. Last evaluated: 2024-03-26. Review status: criteria provided, single submitter. Criteria: ACMG Guidelines, 2015. Collection method: clinical testing. Allele origin: germline. Affected: yes.
Comment: The variant is not observed in the gnomAD v4.0.0 dataset. Predicted Consequence/Location: Missense variant Damaging effect on gene or gene product predicted by in silico programs is uncertain [REVEL: 0.57 (damaging >=0.6, benign <0.4), 3Cnet: 0.48 (damaging >=0.6, benign <0.15)]. Therefore, this variant is classified as VUS according to the recommendation of ACMG/AMP guideline.

NM_133433.4(NIPBL):c.6007G>T (p.Val2003Leu)

Gene: NIPBL (NIPBL cohesin loading factor; plus strand). Cytogenetic location: 5p13.2.
Variant type: single nucleotide variant.
Coding change: c.6007G>T on transcript NM_133433.4 (MANE Select); coding-DNA position 6007, G replaced by T.
Protein change: p.Val2003Leu; replaces valine 2003 with leucine.
Molecular consequence: missense variant.
Genome position (GRCh38, 1-based): chr5:37,038,637, G>T. VCF-style: chr5-37038637-G-T. GRCh37 (hg19) VCF-style: chr5-37038739-G-T.
Other names: c.6007G>T, p.Val2003Leu (NM_015384.5); short protein forms V2003L.
Identifiers: ClinVar variation 3775378 (VCV003775378.1).